The following is an entry in ClinVar:

ClinVar aggregate classification (germline): Likely pathogenic (1 of 4 stars; one submission).

Conditions:
Ehlers-Danlos syndrome, type 4 (EDSVASC). Also called: Ehlers-Danlos Syndrome Type IV; Ehlers-Danlos syndrome vascular type; Ehlers Danlos syndrome, ecchymotic type; Ehlers Danlos syndrome, arterial type; Ehlers Danlos syndrome, Sack-Barabas type. Identifiers: Orphanet 286, MedGen C0268338, MONDO:0017314, OMIM 130050.

Submission:

Labcorp Genetics (formerly Invitae), Labcorp
Classification: Likely pathogenic for Ehlers-Danlos syndrome, type 4. Last evaluated: 2016-08-25. Review status: criteria provided, single submitter. Criteria: Invitae Variant Classification Sherloc (09022015). Collection method: clinical testing. Allele origin: germline.
Comment: Glycine residues within the triple helix region are important for fibrillar collagens structure and stability (PMID: 7695699, 19344236). In the case of COL3A1 the majority of the missense substitutions at the triple helix domain affect glycine residues (PMID: 24922459, 25758994). In summary, this variant is a novel missense change that affects one of the glycine residues within the triple helix of the COL3A1 protein. For these reasons, it has been classified as Likely Pathogenic. This variant is not present in population databases (ExAC no frequency) and has not been reported in the literature in individuals with a COL3A1-related disease. This sequence change replaces glycine with aspartic acid at codon 771 of the COL3A1 protein (p.Gly771Asp). The glycine residue is highly conserved and there is a moderate physicochemical difference between glycine and aspartic acid.

Literature cited by the submitters: PubMed 7695699; PubMed 19344236; PubMed 24922459; PubMed 25758994.

NM_000090.4(COL3A1):c.2312G>A (p.Gly771Asp)

Gene: COL3A1 (collagen type III alpha 1 chain; plus strand). Cytogenetic location: 2q32.2.
Variant type: single nucleotide variant.
Coding change: c.2312G>A on transcript NM_000090.4 (MANE Select); coding-DNA position 2312, G replaced by A.
Protein change: p.Gly771Asp; replaces glycine 771 with aspartic acid.
Molecular consequence: missense variant.
Genome position (GRCh38, 1-based): chr2:189,001,425, G>A. VCF-style: chr2-189001425-G-A. GRCh37 (hg19) VCF-style: chr2-189866151-G-A.
Other names: short protein forms G771D.
Identifiers: ClinVar variation 404287 (VCV000404287.9), dbSNP rs1060500193, ClinGen allele CA16610666.